The following is an entry in ClinVar:

ClinVar aggregate classification (germline): Uncertain significance (1 of 4 stars; one submission).

Submission:

GeneDx
Classification: Uncertain significance. Last evaluated: 2022-04-04. Review status: criteria provided, single submitter. Criteria: GeneDx Variant Classification Process June 2021. Collection method: clinical testing. Allele origin: germline. Affected: yes.
Comment: Not observed at significant frequency in large population cohorts (gnomAD); In silico analysis supports that this missense variant does not alter protein structure/function; Has not been previously published as pathogenic or benign to our knowledge

NM_001256627.2(BRSK2):c.1979C>T (p.Ser660Phe)

Gene: BRSK2 (BR serine/threonine kinase 2; plus strand). Cytogenetic location: 11p15.5.
Variant type: single nucleotide variant.
Coding change: c.1979C>T on transcript NM_001256627.2 (MANE Select); coding-DNA position 1979, C replaced by T.
Protein change: p.Ser660Phe; replaces serine 660 with phenylalanine.
Molecular consequence: missense variant. On other transcripts: non-coding transcript variant (1), intron variant (2).
Genome position (GRCh38, 1-based): chr11:1,459,231, C>T. VCF-style: chr11-1459231-C-T. GRCh37 (hg19) VCF-style: chr11-1480461-C-T.
Other names: c.2117C>T, p.Ser706Phe (NM_001256630.1); c.1979C>T, p.Ser660Phe (NM_003957.4); c.*10-1739C>T (NM_001256629.2, NM_001282218.2); short protein forms S660F, S706F.
Identifiers: ClinVar variation 1708569 (VCV001708569.2), dbSNP rs2539818024, ClinGen allele CA379081719.